The following is an entry in ClinVar:

NM_000245.4(MET):c.2984T>C (p.Met995Thr)

Gene: MET (MET proto-oncogene, receptor tyrosine kinase; plus strand). Cytogenetic location: 7q31.2.
Variant type: single nucleotide variant.
Coding change: c.2984T>C on transcript NM_000245.4 (MANE Select); coding-DNA position 2984, T replaced by C.
Protein change: p.Met995Thr; replaces methionine 995 with threonine.
Molecular consequence: missense variant.
Genome position (GRCh38, 1-based): chr7:116,771,945, T>C. VCF-style: chr7-116771945-T-C. GRCh37 (hg19) VCF-style: chr7-116411999-T-C.
Other names: c.3038T>C, p.Met1013Thr (NM_001127500.3); c.1694T>C, p.Met565Thr (NM_001324402.2); short protein forms M995T, M565T, M1013T.
Identifiers: ClinVar variation 3656135 (VCV003656135.3).

ClinVar aggregate classification (germline): Uncertain significance. Review status: criteria provided, multiple submitters, no conflicts (2 of 4 stars). 2 submissions from 2 submitters: Uncertain significance (2). Last evaluated 2024-06-10.

Conditions:
Renal cell carcinoma. Identifiers: Orphanet 217071, MedGen C0007134, MeSH D002292, MONDO:0005086, HP:0005584.

Submissions (2):

Labcorp Genetics (formerly Invitae), Labcorp
Classification: Uncertain significance for Renal cell carcinoma. Last evaluated: 2024-06-10. Review status: criteria provided, single submitter. Criteria: Invitae Variant Classification Sherloc (09022015). Collection method: clinical testing. Allele origin: germline.
Comment: This sequence change replaces methionine, which is neutral and non-polar, with threonine, which is neutral and polar, at codon 1013 of the MET protein (p.Met1013Thr). This variant is not present in population databases (gnomAD no frequency). This variant has not been reported in the literature in individuals affected with MET-related conditions. Advanced modeling of protein sequence and biophysical properties (such as structural, functional, and spatial information, amino acid conservation, physicochemical variation, residue mobility, and thermodynamic stability) performed at Invitae indicates that this missense variant is not expected to disrupt MET protein function with a negative predictive value of 80%. In summary, the available evidence is currently insufficient to determine the role of this variant in disease. Therefore, it has been classified as a Variant of Uncertain Significance.

Blueprint Genetics
Classification: Uncertain significance. Last evaluated: 2023-03-03. Review status: criteria provided, single submitter. Criteria: ACMG Guidelines, 2015. Collection method: clinical testing. Allele origin: germline.